The following is an entry in ClinVar:

NM_000382.3(ALDH3A2):c.217G>C (p.Glu73Gln)

Gene: ALDH3A2 (aldehyde dehydrogenase 3 family member A2; plus strand). Cytogenetic location: 17p11.2.
Variant type: single nucleotide variant.
Coding change: c.217G>C on transcript NM_000382.3 (MANE Select); coding-DNA position 217, G replaced by C.
Protein change: p.Glu73Gln; replaces glutamic acid 73 with glutamine.
Molecular consequence: missense variant. On other transcripts: 5 prime UTR variant (1).
Genome position (GRCh38, 1-based): chr17:19,651,610, G>C. VCF-style: chr17-19651610-G-C. GRCh37 (hg19) VCF-style: chr17-19554923-G-C.
Other names: c.217G>C, p.Glu73Gln (NM_001031806.2, NM_001369136.1, NM_001369137.2 and 3 more transcripts); c.-472G>C (NM_001369148.2); short protein forms E73Q.
Identifiers: ClinVar variation 2832805 (VCV002832805.3), dbSNP rs2544356953, ClinGen allele CA398701704.

ClinVar aggregate classification (germline): Uncertain significance (1 of 4 stars; one submission).

Submission:

Labcorp Genetics (formerly Invitae), Labcorp
Classification: Uncertain significance. Last evaluated: 2023-02-03. Review status: criteria provided, single submitter. Criteria: Invitae Variant Classification Sherloc (09022015). Collection method: clinical testing. Allele origin: germline.
Comment: In summary, the available evidence is currently insufficient to determine the role of this variant in disease. Therefore, it has been classified as a Variant of Uncertain Significance. Algorithms developed to predict the effect of sequence changes on RNA splicing suggest that this variant may create or strengthen a splice site. Advanced modeling of protein sequence and biophysical properties (such as structural, functional, and spatial information, amino acid conservation, physicochemical variation, residue mobility, and thermodynamic stability) performed at Invitae indicates that this missense variant is not expected to disrupt ALDH3A2 protein function. This variant has not been reported in the literature in individuals affected with ALDH3A2-related conditions. This variant is not present in population databases (gnomAD no frequency). This sequence change replaces glutamic acid, which is acidic and polar, with glutamine, which is neutral and polar, at codon 73 of the ALDH3A2 protein (p.Glu73Gln).